The following is an entry in ClinVar:

ClinVar aggregate classification (germline): Likely benign (1 of 4 stars; one submission).

Allele frequency attached by ClinVar (database versions not stated): gnomAD 0.00405; TOPMed 0.00494; 1000 Genomes Project 0.00719; 1000 Genomes Project 30x 0.00812.

Submission:

GeneDx
Classification: Likely benign. Last evaluated: 2018-06-16. Review status: criteria provided, single submitter. Criteria: GeneDx Variant Classification (06012015). Collection method: clinical testing. Allele origin: germline. Affected: yes.
Comment: This variant is considered likely benign or benign based on one or more of the following criteria: it is a conservative change, it occurs at a poorly conserved position in the protein, it is predicted to be benign by multiple in silico algorithms, and/or has population frequency not consistent with disease.

NM_000540.3(RYR1):c.4621-78C>T

Gene: RYR1 (ryanodine receptor 1; plus strand). Cytogenetic location: 19q13.2.
Variant type: single nucleotide variant.
Coding change: c.4621-78C>T on transcript NM_000540.3 (MANE Select); 78 bases into the intron before coding-DNA position 4621, C replaced by T.
Molecular consequence: intron variant.
Genome position (GRCh38, 1-based): chr19:38,482,949, C>T. VCF-style: chr19-38482949-C-T. GRCh37 (hg19) VCF-style: chr19-38973589-C-T.
Other names: c.4621-78C>T (NM_001042723.2).
Identifiers: ClinVar variation 679975 (VCV000679975.1), dbSNP rs73542805, ClinGen allele CA308088147.